The following is an entry in ClinVar:

NM_000051.4(ATM):c.5927C>T (p.Ala1976Val)

Genes: ATM (ATM serine/threonine kinase; plus strand), C11orf65 (chromosome 11 open reading frame 65; minus strand). Cytogenetic location: 11q22.3.
Variant type: single nucleotide variant.
Coding change: c.5927C>T on transcript NM_000051.4 (MANE Select); coding-DNA position 5927, C replaced by T.
Protein change: p.Ala1976Val; replaces alanine 1976 with valine.
Molecular consequence: missense variant. On other transcripts: intron variant (2).
Genome position (GRCh38, 1-based): chr11:108,312,419, C>T. VCF-style: chr11-108312419-C-T. GRCh37 (hg19) VCF-style: chr11-108183146-C-T.
Other names: c.5927C>T, p.Ala1976Val (NM_001351834.2); c.641-3348G>A (NM_001330368.2); c.*39-3348G>A (NM_001351110.2); short protein forms A1976V.
Identifiers: ClinVar variation 570840 (VCV000570840.14), dbSNP rs1197973623, ClinGen allele CA382548645.

ClinVar aggregate classification (germline): Uncertain significance. Review status: criteria provided, multiple submitters, no conflicts (2 of 4 stars). 3 submissions from 3 submitters: Uncertain significance (3). Last evaluated 2026-03-02.

Conditions:
Hereditary cancer-predisposing syndrome. Also called: Hereditary Cancer Syndrome; Neoplastic Syndromes, Hereditary; Tumor predisposition; Hereditary neoplastic syndrome. Identifiers: Orphanet 140162, MedGen C0027672, MeSH D009386, MONDO:0015356.
Ataxia-telangiectasia syndrome (AT). Also called: Cerebello-oculocutaneous telangiectasia; Immunodeficiency with ataxia telangiectasia; Ataxia-telangiectasia, complementation group E; Ataxia-telangiectasia, complementation group D; AT, COMPLEMENTATION GROUP C; ATAXIA-TELANGIECTASIA, COMPLEMENTATION GROUP A. Identifiers: Orphanet 100, MedGen C0004135, MONDO:0008840, OMIM 208900.

gnomAD v4.1: 1 of 1,590,942 alleles (0.000063%); highest among the groups gnomAD compares: Non-Finnish European, 0.000086%; no homozygotes.

Submissions (3):

Ambry Genetics
Classification: Uncertain significance for Hereditary cancer-predisposing syndrome. Last evaluated: 2026-03-02. Review status: criteria provided, single submitter. Criteria: Ambry Variant Classification Scheme 2023. Collection method: clinical testing. Allele origin: germline.
Comment: The p.A1976V variant (also known as c.5927C>T), located in coding exon 39 of the ATM gene, results from a C to T substitution at nucleotide position 5927. The alanine at codon 1976 is replaced by valine, an amino acid with similar properties. This amino acid position is poorly conserved in available vertebrate species. In addition, this alteration is predicted to be tolerated by in silico analysis. Based on the available evidence, the clinical significance of this variant remains unclear.

Women's Health and Genetics/Laboratory Corporation of America, LabCorp
Classification: Uncertain significance. Last evaluated: 2025-01-10. Review status: criteria provided, single submitter. Criteria: LabCorp Variant Classification Summary - May 2015. Collection method: clinical testing. Allele origin: germline.

Labcorp Genetics (formerly Invitae), Labcorp
Classification: Uncertain significance for Ataxia-telangiectasia syndrome. Last evaluated: 2024-08-07. Review status: criteria provided, single submitter. Criteria: Invitae Variant Classification Sherloc (09022015). Collection method: clinical testing. Allele origin: germline.
Comment: This sequence change replaces alanine, which is neutral and non-polar, with valine, which is neutral and non-polar, at codon 1976 of the ATM protein (p.Ala1976Val). This variant is not present in population databases (gnomAD no frequency). This variant has not been reported in the literature in individuals affected with ATM-related conditions. ClinVar contains an entry for this variant (Variation ID: 570840). An algorithm developed to predict the effect of missense changes on protein structure and function outputs the following: PolyPhen-2: "Benign". The valine amino acid residue is found in multiple mammalian species, which suggests that this missense change does not adversely affect protein function. In summary, the available evidence is currently insufficient to determine the role of this variant in disease. Therefore, it has been classified as a Variant of Uncertain Significance.